The following is an entry in ClinVar:

NM_004304.5(ALK):c.628_629delinsCT (p.Ala210Leu)

Gene: ALK (ALK receptor tyrosine kinase; minus strand). Cytogenetic location: 2p23.1.
Variant type: Indel.
Coding change: c.628_629delinsCT on transcript NM_004304.5 (MANE Select); coding-DNA positions 628 to 629, GC replaced by CT.
Protein change: p.Ala210Leu; replaces alanine 210 with leucine.
Molecular consequence: missense variant.
Genome position (GRCh38, 1-based): chr2:29,920,031-29,920,032, GC replaced by AG on the plus strand (GC replaced by CT on the coding strand, the reverse complement: ALK is on the minus strand). VCF-style: chr2-29920031-GC-AG. GRCh37 (hg19) VCF-style: chr2-30142897-GC-AG.
Other names: c.628_629delGCinsCT (NM_004304.4); short protein forms A210L.
Identifiers: ClinVar variation 1524522 (VCV001524522.7), dbSNP rs2148442846, ClinGen allele CA2573134648.

ClinVar aggregate classification (germline): Uncertain significance. Review status: criteria provided, multiple submitters, no conflicts (2 of 4 stars). 2 submissions from 2 submitters: Uncertain significance (2). Last evaluated 2026-08-21.

Conditions:
Hereditary cancer-predisposing syndrome. Also called: Hereditary Cancer Syndrome; Tumor predisposition; Neoplastic Syndromes, Hereditary; Hereditary neoplastic syndrome. Identifiers: Orphanet 140162, MedGen C0027672, MeSH D009386, MONDO:0015356.
Neuroblastoma, susceptibility to, 3. Also called: ALK-Related Neuroblastic Tumor Susceptibility. Identifiers: Orphanet 635, MedGen C2751681, MONDO:0013083, OMIM 613014.

Submissions (2):

Ambry Genetics
Classification: Uncertain significance for Hereditary cancer-predisposing syndrome. Last evaluated: 2026-08-21. Review status: criteria provided, single submitter. Criteria: Ambry Variant Classification Scheme 2023. Collection method: clinical testing. Allele origin: germline.
Comment: The c.628_629delGCinsCT variant (also known as p.A210L), located in coding exon 1 of the ALK gene, results from an in-frame deletion of GC and insertion of CT at nucleotide positions 628 to 629. This results in the substitution of the alanine residue for a leucine residue at codon 210, an amino acid with similar properties. This amino acid position is highly conserved in available vertebrate species. In addition, this variant is predicted to be neutral by in silico analysis (Choi Y et al. PLoS ONE. 2012; 7(10):e46688). Based on the available evidence, the clinical significance of this variant remains unclear.

Labcorp Genetics (formerly Invitae), Labcorp
Classification: Uncertain significance for Neuroblastoma, susceptibility to, 3. Last evaluated: 2024-05-21. Review status: criteria provided, single submitter. Criteria: Invitae Variant Classification Sherloc (09022015). Collection method: clinical testing. Allele origin: germline.
Comment: This sequence change replaces alanine, which is neutral and non-polar, with leucine, which is neutral and non-polar, at codon 210 of the ALK protein (p.Ala210Leu). Information on the frequency of this variant in the gnomAD database is not available, as this variant may be reported differently in the database. This variant has not been reported in the literature in individuals affected with ALK-related conditions. ClinVar contains an entry for this variant (Variation ID: 1524522). An algorithm developed to predict the effect of missense changes on protein structure and function (PolyPhen-2) suggests that this variant is likely to be tolerated. In summary, the available evidence is currently insufficient to determine the role of this variant in disease. Therefore, it has been classified as a Variant of Uncertain Significance.